The following is an entry in ClinVar:

ClinVar aggregate classification (germline): Likely benign (0 of 4 stars; one submission).

Conditions:
DAO-related disorder. Also called: DAO-related condition.

Allele frequency attached by ClinVar (database versions not stated): gnomAD exomes 0.00001.
gnomAD v4.1: 3 of 1,614,068 alleles (0.00019%); highest among the groups gnomAD compares: Non-Finnish European, 0.00025%; no homozygotes.

Submission:

PreventionGenetics, part of Exact Sciences
Classification: Likely benign for DAO-related condition. Last evaluated: 2023-03-08. Review status: no assertion criteria provided. Collection method: clinical testing. Allele origin: germline.
Comment: This variant is classified as likely benign based on ACMG/AMP sequence variant interpretation guidelines (Richards et al. 2015 PMID: 25741868, with internal and published modifications).

NM_001917.5(DAO):c.483G>A (p.Gln161=)

Gene: DAO (D-amino acid oxidase; plus strand). Cytogenetic location: 12q24.11.
Variant type: single nucleotide variant.
Coding change: c.483G>A on transcript NM_001917.5 (MANE Select); coding-DNA position 483, G replaced by A.
Protein change: p.Gln161=; no amino-acid change (glutamine 161 retained).
Molecular consequence: synonymous variant.
Genome position (GRCh38, 1-based): chr12:108,893,012, G>A. VCF-style: chr12-108893012-G-A. GRCh37 (hg19) VCF-style: chr12-109286788-G-A.
Other names: c.483G>A, p.Gln161= (NM_001413634.1, NM_001413635.1).
Identifiers: ClinVar variation 3048748 (VCV003048748.2), dbSNP rs1566037864, ClinGen allele CA481686493.